The following is an entry in ClinVar:

NM_000824.5(GLRB):c.*139G>A

Gene: GLRB (glycine receptor beta; plus strand). Cytogenetic location: 4q32.1.
Variant type: single nucleotide variant.
Coding change: c.*139G>A on transcript NM_000824.5 (MANE Select); 139 bases downstream of the stop codon, G replaced by A.
Molecular consequence: 3 prime UTR variant.
Genome position (GRCh38, 1-based): chr4:157,170,867, G>A. VCF-style: chr4-157170867-G-A. GRCh37 (hg19) VCF-style: chr4-158092019-G-A.
Other names: c.*139G>A (NM_001166060.2); c.*428G>A (NM_001166061.2).
Identifiers: ClinVar variation 347931 (VCV000347931.6), dbSNP rs186831115, ClinGen allele CA10618170.

ClinVar aggregate classification (germline): Benign. Review status: criteria provided, multiple submitters, no conflicts (2 of 4 stars). 2 submissions from 2 submitters: Benign (2). Last evaluated 2018-01-12.

Conditions:
Hyperekplexia 2 (HKPX2). Identifiers: Orphanet 3197, MedGen C3553291, MONDO:0013828, OMIM 614619.

Allele frequency attached by ClinVar (database versions not stated): gnomAD exomes 0.00021; 1000 Genomes Project 30x 0.00109; 1000 Genomes Project 0.00140; gnomAD 0.00147 and 0.00154; TOPMed 0.00163.
gnomAD v4.1: 312 of 575,630 alleles (0.054%); highest among the groups gnomAD compares: African/African-American, 0.53%; 1 homozygote.

Submissions (2):

Illumina Laboratory Services, Illumina
Classification: Benign for Hyperekplexia 2. Last evaluated: 2018-01-12. Review status: criteria provided, single submitter. Criteria: ICSL Variant Classification Criteria 13 December 2019. Collection method: clinical testing. Allele origin: germline.
Comment: This variant was observed in the ICSL laboratory as part of a predisposition screen in an ostensibly healthy population. It had not been previously curated by ICSL or reported in the Human Gene Mutation Database (HGMD: prior to June 1st, 2018), and was therefore a candidate for classification through an automated scoring system. Utilizing variant allele frequency, disease prevalence and penetrance estimates, and inheritance mode, an automated score was calculated to assess if this variant is too frequent to cause the disease. Based on the score and internal cut-off values, a variant classified as benign is not then subjected to further curation. The score for this variant resulted in a classification of benign for this disease.

Breakthrough Genomics
Classification: Benign. Review status: criteria provided, single submitter. Criteria: ACMG Guidelines, 2015. Collection method: not provided. Allele origin: germline. Inheritance: Autosomal recessive inheritance. Affected: yes.